The following is an entry in ClinVar:

NM_001393769.1(MED12L):c.348G>T (p.Trp116Cys)

Gene: MED12L (mediator complex subunit 12L; plus strand). Cytogenetic location: 3q25.1.
Variant type: single nucleotide variant.
Coding change: c.348G>T on transcript NM_001393769.1 (MANE Select); coding-DNA position 348, G replaced by T.
Protein change: p.Trp116Cys; replaces tryptophan 116 with cysteine.
Molecular consequence: missense variant.
Genome position (GRCh38, 1-based): chr3:151,122,926, G>T. VCF-style: chr3-151122926-G-T. GRCh37 (hg19) VCF-style: chr3-150840713-G-T.
Other names: c.348G>T, p.Trp116Cys (NM_053002.6); short protein forms W116C.
Identifiers: ClinVar variation 560274 (VCV000560274.3), dbSNP rs1560069336, ClinGen allele CA354954163.

ClinVar aggregate classification (germline): Uncertain significance (1 of 4 stars; one submission).

Submission:

Geisinger Autism and Developmental Medicine Institute, Geisinger Health System
Classification: Uncertain significance. Last evaluated: 2017-05-26. Review status: criteria provided, single submitter. Criteria: ACMG Guidelines, 2015. Collection method: provider interpretation, clinical testing. Allele origin: unknown. Observed: 1 variant allele.
Comment: Other members of the mediator complex, including MED13L and MED23, are associated with neurodevelopmental disorders, which suggests that this complex may be important in nervous system development (Coutton et al., 2015). Inheritance of this variant is unknown, as is paternal family history. The variant is absent from population databases. Computational models predict the variant to be probably damaging.

Literature cited by the submitters: PubMed 24985125.